The following is an entry in ClinVar:

ClinVar aggregate classification (germline): Uncertain significance (1 of 4 stars; one submission).

Submission:

Labcorp Genetics (formerly Invitae), Labcorp
Classification: Uncertain significance. Last evaluated: 2022-08-01. Review status: criteria provided, single submitter. Criteria: Invitae Variant Classification Sherloc (09022015). Collection method: clinical testing. Allele origin: germline.
Comment: In summary, the available evidence is currently insufficient to determine the role of this variant in disease. Therefore, it has been classified as a Variant of Uncertain Significance. Algorithms developed to predict the effect of missense changes on protein structure and function are either unavailable or do not agree on the potential impact of this missense change (SIFT: "Not Available"; PolyPhen-2: "Probably Damaging"; Align-GVGD: "Not Available"). This variant has not been reported in the literature in individuals affected with SERPINF1-related conditions. This variant is not present in population databases (gnomAD no frequency). This sequence change replaces phenylalanine, which is neutral and non-polar, with cysteine, which is neutral and slightly polar, at codon 338 of the SERPINF1 protein (p.Phe338Cys).

NM_002615.7(SERPINF1):c.1013T>G (p.Phe338Cys)

Gene: SERPINF1 (serpin family F member 1; plus strand). Cytogenetic location: 17p13.3.
Variant type: single nucleotide variant.
Coding change: c.1013T>G on transcript NM_002615.7 (MANE Select); coding-DNA position 1013, T replaced by G.
Protein change: p.Phe338Cys; replaces phenylalanine 338 with cysteine.
Molecular consequence: missense variant.
Genome position (GRCh38, 1-based): chr17:1,777,202, T>G. VCF-style: chr17-1777202-T-G. GRCh37 (hg19) VCF-style: chr17-1680496-T-G.
Other names: c.1013T>G, p.Phe338Cys (NM_001329903.2); c.452T>G, p.Phe151Cys (NM_001329904.2, NM_001329905.2); short protein forms F151C, F338C.
Identifiers: ClinVar variation 1714735 (VCV001714735.5), dbSNP rs2543494668, ClinGen allele CA397590301.